The following is an entry in ClinVar:

NM_007268.3(VSIG4):c.56-10G>A

Gene: VSIG4 (V-set and immunoglobulin domain containing 4; minus strand). Cytogenetic location: Xq12.
Variant type: single nucleotide variant.
Coding change: c.56-10G>A on transcript NM_007268.3 (MANE Select); 10 bases into the intron before coding-DNA position 56, G replaced by A.
Molecular consequence: intron variant.
Genome position (GRCh38, 1-based): chrX:66,033,840, C>T on the plus strand (G>A on the coding strand, the complement: VSIG4 is on the minus strand). VCF-style: chrX-66033840-C-T. GRCh37 (hg19) VCF-style: chrX-65253682-C-T.
Other names: c.56-10G>A (NM_001100431.2, NM_001184831.2, NM_001257403.2 and 1 more transcripts).
Identifiers: ClinVar variation 3035770 (VCV003035770.2), dbSNP rs754269568, ClinGen allele CA10435093.

ClinVar aggregate classification (germline): Likely benign (0 of 4 stars; one submission).

Conditions:
VSIG4-related disorder. Also called: VSIG4-related condition.

Allele frequency attached by ClinVar (database versions not stated): gnomAD 0.00002; ExAC 0.00005.
gnomAD v4.1: 36 of 1,178,184 alleles (0.0031%); highest among the groups gnomAD compares: Admixed American, 0.0091%; no homozygotes.

Submission:

PreventionGenetics, part of Exact Sciences
Classification: Likely benign for VSIG4-related condition. Last evaluated: 2019-08-08. Review status: no assertion criteria provided. Collection method: clinical testing. Allele origin: germline.
Comment: This variant is classified as likely benign based on ACMG/AMP sequence variant interpretation guidelines (Richards et al. 2015 PMID: 25741868, with internal and published modifications).